The following is an entry in ClinVar:

ClinVar aggregate classification (germline): Pathogenic (1 of 4 stars; one submission).

Conditions:
PHGDH deficiency. Identifiers: Orphanet 79351, MedGen C1866174, MONDO:0011152, OMIM 601815.

Submission:

Labcorp Genetics (formerly Invitae), Labcorp
Classification: Pathogenic for PHGDH deficiency. Last evaluated: 2023-08-29. Review status: criteria provided, single submitter. Criteria: Invitae Variant Classification Sherloc (09022015). Collection method: clinical testing. Allele origin: unknown.
Comment: This variant is a gross deletion of the genomic region encompassing exon(s) 1-5 of the PHGDH gene, which includes the initiator codon. This deletion extends beyond the assayed region for this gene and therefore may encompass additional genes. It is expected to result in an absent or disrupted protein product. Loss-of-function variants in PHGDH are known to be pathogenic (PMID: 14645240, 24836451). This variant has not been reported in the literature in individuals affected with PHGDH-related conditions. For these reasons, this variant has been classified as Pathogenic.

Literature cited by the submitters: PubMed 14645240; PubMed 24836451.

NC_000001.10:g.(?_120254646)_(120269745_?)del

Gene: PHGDH (phosphoglycerate dehydrogenase; plus strand). Cytogenetic location: 1p12.
Variant type: Deletion.
Identifiers: ClinVar variation 3247781 (VCV003247781.1).